The following is an entry in ClinVar:

ClinVar aggregate classification (germline): Uncertain significance (1 of 4 stars; one submission).

Submission:

Ambry Genetics
Classification: Uncertain significance. Last evaluated: 2024-11-01. Review status: criteria provided, single submitter. Criteria: Ambry Variant Classification Scheme 2023. Collection method: clinical testing. Allele origin: germline.
Comment: The p.D339Y variant (also known as c.1015G>T), located in coding exon 10 of the ILK gene, results from a G to T substitution at nucleotide position 1015. The aspartic acid at codon 339 is replaced by tyrosine, an amino acid with highly dissimilar properties. This amino acid position is conserved. In addition, this alteration is predicted to be deleterious by in silico analysis. Based on the available evidence, the clinical significance of this variant remains unclear.

NM_004517.4(ILK):c.1015G>T (p.Asp339Tyr)

Genes: ILK (integrin linked kinase; plus strand), TAF10 (TATA-box binding protein associated factor 10; minus strand). Cytogenetic location: 11p15.4.
Variant type: single nucleotide variant.
Coding change: c.1015G>T on transcript NM_004517.4 (MANE Select); coding-DNA position 1015, G replaced by T.
Protein change: p.Asp339Tyr; replaces aspartic acid 339 with tyrosine.
Molecular consequence: missense variant. On other transcripts: 3 prime UTR variant (1).
Genome position (GRCh38, 1-based): chr11:6,609,972, G>T. VCF-style: chr11-6609972-G-T. GRCh37 (hg19) VCF-style: chr11-6631203-G-T.
Other names: c.1015G>T, p.Asp339Tyr (NM_001014794.3, NM_001014795.3); c.832G>T, p.Asp278Tyr (NM_001278441.2); c.613G>T, p.Asp205Tyr (NM_001278442.2); c.*950C>A (NM_006284.4); short protein forms D205Y, D339Y, D278Y.
Identifiers: ClinVar variation 3528912 (VCV003528912.1).